The following is an entry in ClinVar:

ClinVar aggregate classification (germline): Uncertain significance (1 of 4 stars; one submission).

Conditions:
Pyridoxine-dependent epilepsy (EPEO4). Also called: PYRIDOXINE DEPENDENCY WITH SEIZURES; Pyridoxine-Dependent Epilepsy - ALDH7A1; EPILEPSY, EARLY-ONSET, 4, VITAMIN B6-DEPENDENT; Pyridoxine-Dependent Seizures. Identifiers: Orphanet 3006, MedGen C1849508, MONDO:0009945, OMIM 266100. Disease mechanism: loss of function.

gnomAD v4.1: 6 of 1,552,054 alleles (0.00039%); highest among the groups gnomAD compares: South Asian, 0.0024%; no homozygotes.

Submission:

Labcorp Genetics (formerly Invitae), Labcorp
Classification: Uncertain significance for Pyridoxine-dependent epilepsy. Last evaluated: 2021-12-22. Review status: criteria provided, single submitter. Criteria: Invitae Variant Classification Sherloc (09022015). Collection method: clinical testing. Allele origin: germline.
Comment: This sequence change replaces leucine, which is neutral and non-polar, with phenylalanine, which is neutral and non-polar, at codon 4 of the ALDH7A1 protein (p.Leu4Phe). This variant is not present in population databases (gnomAD no frequency). This variant has not been reported in the literature in individuals affected with ALDH7A1-related conditions. ClinVar contains an entry for this variant (Variation ID: 947062). Advanced modeling of protein sequence and biophysical properties (such as structural, functional, and spatial information, amino acid conservation, physicochemical variation, residue mobility, and thermodynamic stability) performed at Invitae indicates that this missense variant is not expected to disrupt ALDH7A1 protein function. In summary, the available evidence is currently insufficient to determine the role of this variant in disease. Therefore, it has been classified as a Variant of Uncertain Significance.

NM_001182.5(ALDH7A1):c.10C>T (p.Leu4Phe)

Gene: ALDH7A1 (aldehyde dehydrogenase 7 family member A1; minus strand). Cytogenetic location: 5q23.2.
Variant type: single nucleotide variant.
Coding change: c.10C>T on transcript NM_001182.5 (MANE Select); coding-DNA position 10, C replaced by T.
Protein change: p.Leu4Phe; replaces leucine 4 with phenylalanine.
Molecular consequence: missense variant. On other transcripts: 5 prime UTR variant (1).
Genome position (GRCh38, 1-based): chr5:126,595,189, G>A on the plus strand (C>T on the coding strand, the complement: ALDH7A1 is on the minus strand). VCF-style: chr5-126595189-G-A. GRCh37 (hg19) VCF-style: chr5-125930881-G-A.
Other names: c.-75C>T (NM_001201377.2); c.10C>T, p.Leu4Phe (NM_001202404.2); short protein forms L4F.
Identifiers: ClinVar variation 947062 (VCV000947062.3), dbSNP rs1211626533, ClinGen allele CA360734022.